The following is an entry in ClinVar:

NM_206933.4(USH2A):c.9076C>T (p.Pro3026Ser)

Gene: USH2A (usherin; minus strand). Cytogenetic location: 1q41.
Variant type: single nucleotide variant.
Coding change: c.9076C>T on transcript NM_206933.4 (MANE Select); coding-DNA position 9076, C replaced by T.
Protein change: p.Pro3026Ser; replaces proline 3026 with serine.
Molecular consequence: missense variant.
Genome position (GRCh38, 1-based): chr1:215,844,476, G>A on the plus strand (C>T on the coding strand, the complement: USH2A is on the minus strand). VCF-style: chr1-215844476-G-A. GRCh37 (hg19) VCF-style: chr1-216017818-G-A.
Other names: short protein forms P3026S.
Identifiers: ClinVar variation 1365839 (VCV001365839.5), dbSNP rs2102821924, ClinGen allele CA344839167.

ClinVar aggregate classification (germline): Uncertain significance (1 of 4 stars; one submission).

Submission:

Labcorp Genetics (formerly Invitae), Labcorp
Classification: Uncertain significance. Last evaluated: 2021-08-26. Review status: criteria provided, single submitter. Criteria: Invitae Variant Classification Sherloc (09022015). Collection method: clinical testing. Allele origin: germline.
Comment: This sequence change replaces proline with serine at codon 3026 of the USH2A protein (p.Pro3026Ser). The proline residue is highly conserved and there is a moderate physicochemical difference between proline and serine. This variant is not present in population databases (ExAC no frequency). This variant has not been reported in the literature in individuals affected with USH2A-related conditions. Algorithms developed to predict the effect of missense changes on protein structure and function are either unavailable or do not agree on the potential impact of this missense change (SIFT: "Deleterious"; PolyPhen-2: "Benign"; Align-GVGD: "Class C0"). In summary, the available evidence is currently insufficient to determine the role of this variant in disease. Therefore, it has been classified as a Variant of Uncertain Significance.